The following is an entry in ClinVar:

NM_002705.5(PPL):c.5247G>C (p.Ala1749=)

Gene: PPL (periplakin; minus strand). Cytogenetic location: 16p13.3.
Variant type: single nucleotide variant.
Coding change: c.5247G>C on transcript NM_002705.5 (MANE Select); coding-DNA position 5247, G replaced by C.
Protein change: p.Ala1749=; no amino-acid change (alanine 1749 retained).
Molecular consequence: synonymous variant.
Genome position (GRCh38, 1-based): chr16:4,883,408, C>G on the plus strand (G>C on the coding strand, the complement: PPL is on the minus strand). VCF-style: chr16-4883408-C-G. GRCh37 (hg19) VCF-style: chr16-4933409-C-G.
Identifiers: ClinVar variation 2646162 (VCV002646162.24), dbSNP rs116861592, ClinGen allele CA7885112.

ClinVar aggregate classification (germline): Likely benign (1 of 4 stars; one submission).

Allele frequency attached by ClinVar (database versions not stated): 1000 Genomes Project 0.00160; 1000 Genomes Project 30x 0.00187; ESP Exome Variant Server 0.00262.

Submission:

CeGaT Center for Human Genetics Tuebingen
Classification: Likely benign. Last evaluated: 2022-07-01. Review status: criteria provided, single submitter. Criteria: CeGaT Center For Human Genetics Tuebingen Variant Classification Criteria Version 2. Collection method: clinical testing. Allele origin: germline. Affected: yes. Observed: 1 variant allele.
Comment: PPL: BP4, BP7